The following is an entry in ClinVar:

NM_000540.3(RYR1):c.4935-1G>C

Gene: RYR1 (ryanodine receptor 1; plus strand). Cytogenetic location: 19q13.2.
Variant type: single nucleotide variant.
Coding change: c.4935-1G>C on transcript NM_000540.3 (MANE Select); the canonical splice acceptor site of the intron before coding-DNA position 4935, G replaced by C.
Molecular consequence: splice acceptor variant.
Genome position (GRCh38, 1-based): chr19:38,485,589, G>C. VCF-style: chr19-38485589-G-C. GRCh37 (hg19) VCF-style: chr19-38976229-G-C.
Other names: c.4935-1G>C (NM_001042723.2).
Identifiers: ClinVar variation 3011556 (VCV003011556.4), dbSNP rs2514225496, ClinGen allele CA405652361.

ClinVar aggregate classification (germline): Conflicting classifications of pathogenicity. Review status: criteria provided, conflicting classifications (1 of 4 stars). 2 submissions from 2 submitters: Likely pathogenic (1); Uncertain significance (1). Last evaluated 2023-04-26.

Conditions:
Malignant hyperthermia, susceptibility to, 1 (MHS1). Also called: Anesthesia related hyperthermia; Malignant hyperpyrexia; Fulminating hyperpyrexia; Pharmacogenic myopathy; RYR1-Related Malignant Hyperthermia Susceptibility; Malignant hyperthermia suceptibility 1. Identifiers: Orphanet 423, MedGen C2930980, MONDO:0007783, OMIM 145600.
RYR1-related disorder. Also called: RYR1-related condition; RYR1-related disorders. Identifiers: MedGen CN239331.

gnomAD v4.1: 3 of 1,608,732 alleles (0.00019%); highest among the groups gnomAD compares: Non-Finnish European, 0.00025%; no homozygotes.

Submissions (2):

Labcorp Genetics (formerly Invitae), Labcorp
Classification: Likely pathogenic for RYR1-related disorder. Last evaluated: 2023-04-26. Review status: criteria provided, single submitter. Criteria: Invitae Variant Classification Sherloc (09022015). Collection method: clinical testing. Allele origin: germline.
Comment: This sequence change affects an acceptor splice site in intron 33 of the RYR1 gene. It is expected to disrupt RNA splicing. Variants that disrupt the donor or acceptor splice site typically lead to a loss of protein function (PMID: 16199547), and loss-of-function variants in RYR1 are known to be pathogenic (PMID: 23919265, 25960145, 28818389, 30611313). This variant is not present in population databases (gnomAD no frequency). In summary, the currently available evidence indicates that the variant is pathogenic, but additional data are needed to prove that conclusively. Therefore, this variant has been classified as Likely Pathogenic. Algorithms developed to predict the effect of sequence changes on RNA splicing suggest that this variant may disrupt the consensus splice site. This variant has not been reported in the literature in individuals affected with RYR1-related conditions.

All of Us Research Program, National Institutes of Health
Classification: Uncertain significance for Malignant hyperthermia, susceptibility to, 1. Last evaluated: 2023-04-03. Review status: criteria provided, single submitter. Criteria: ACMG Guidelines, 2015. Collection method: clinical testing. Allele origin: germline. Inheritance: Autosomal dominant inheritance. Observed: 1 variant allele, 1 heterozygote.
Comment: This variant causes a G to C nucleotide substitution at the -1 position of intron 33 of the RYR1 gene. Splice site prediction tools suggest that this variant may have a significant impact on RNA splicing. Although this prediction has not been confirmed in published RNA studies, this variant is expected to result in an absent or disrupted protein product. This variant has not been reported in individuals affected with RYR1-related disorders in the literature. Loss of RYR1 function due to haploinsufficiency is not an established disease mechanism for autosomal dominant malignant hyperthermia, although it is associated with congenital myopathy. This variant has not been identified in the general population by the Genome Aggregation Database (gnomAD). Due to insufficient evidence, this variant is classified as a Variant of Uncertain Significance for autosomal dominant malignant hyperthermia.

This study involves interpretation of variants in research participants for the purpose of population health screening. Participant phenotype was not available at the time of variant classification. Additional details can be found in publication PMID: 35346344, PMCID: PMC8962531

Literature cited by the submitters: PubMed 16199547 (cited by Labcorp Genetics (formerly Invitae), Labcorp); PubMed 23919265 (cited by Labcorp Genetics (formerly Invitae), Labcorp); PubMed 25960145 (cited by Labcorp Genetics (formerly Invitae), Labcorp); PubMed 28818389 (cited by Labcorp Genetics (formerly Invitae), Labcorp); PubMed 30611313 (cited by Labcorp Genetics (formerly Invitae), Labcorp).